The following is an entry in ClinVar:

ClinVar aggregate classification (germline): Conflicting classifications of pathogenicity. Review status: criteria provided, conflicting classifications (1 of 4 stars). 4 submissions from 4 submitters: Uncertain significance (2); Likely benign (1). 1 of the submissions does not count toward it. Last evaluated 2026-01-24.

Conditions:
Simpson-Golabi-Behmel syndrome type 2. Identifiers: Orphanet 79022, MedGen C1846175, MONDO:0010265, OMIM 300209.
Retinitis pigmentosa 23 (RP23). Identifiers: Orphanet 791, MedGen C1419610, MONDO:0010320, OMIM 300424.
Joubert syndrome 10 (JBTS10). Identifiers: Orphanet 2754, MedGen C2749019, MONDO:0010431, OMIM 300804.
Orofaciodigital syndrome I (OFD1). Also called: OFDS I; Papillon-Leage and Psaume Syndrome; Oral-Facial-Digital Syndrome Type I. Identifiers: Orphanet 2750, MedGen C1510460, MONDO:0010702, OMIM 311200.
Joubert syndrome. Also called: CEREBELLOPARENCHYMAL DISORDER IV; JOUBERT-BOLTSHAUSER SYNDROME; Familial aplasia of the vermis. Identifiers: Orphanet 475, MedGen C5979921, MONDO:0018772.
OFD1-related disorder. Also called: OFD1-related condition.

Allele frequency attached by ClinVar (database versions not stated): gnomAD exomes 0.00001 and 0.00004; TOPMed 0.00001.
gnomAD v4.1: 11 of 1,203,720 alleles (0.00091%); highest among the groups gnomAD compares: Admixed American, 0.02%; no homozygotes.

Submissions (4):

Labcorp Genetics (formerly Invitae), Labcorp
Classification: Likely benign for Orofaciodigital syndrome I; Joubert syndrome. Last evaluated: 2026-01-24. Review status: criteria provided, single submitter. Criteria: Invitae Variant Classification Sherloc (09022015). Collection method: clinical testing. Allele origin: germline.

Fulgent Genetics
Classification: Uncertain significance for Simpson-Golabi-Behmel syndrome type 2; Retinitis pigmentosa 23; Joubert syndrome 10; Orofaciodigital syndrome I. Last evaluated: 2024-04-24. Review status: criteria provided, single submitter. Criteria: ACMG Guidelines, 2015. Collection method: clinical testing. Allele origin: germline.

GeneDx
Classification: Uncertain significance. Last evaluated: 2023-04-14. Review status: criteria provided, single submitter. Criteria: GeneDx Variant Classification Process June 2021. Collection method: clinical testing. Allele origin: germline. Affected: yes.
Comment: In silico analysis supports that this missense variant has a deleterious effect on protein structure/function; Has not been previously published as pathogenic or benign to our knowledge

PreventionGenetics, part of Exact Sciences
Classification: Likely benign for OFD1-related condition. Last evaluated: 2022-03-28. Review status: no assertion criteria provided. Collection method: clinical testing. Allele origin: germline. Not counted in ClinVar's aggregate classification.
Comment: This variant is classified as likely benign based on ACMG/AMP sequence variant interpretation guidelines (Richards et al. 2015 PMID: 25741868, with internal and published modifications).

NM_003611.3(OFD1):c.1015G>A (p.Glu339Lys)

Gene: OFD1 (OFD1 centriole and centriolar satellite protein; plus strand). Cytogenetic location: Xp22.2.
Variant type: single nucleotide variant.
Coding change: c.1015G>A on transcript NM_003611.3 (MANE Select); coding-DNA position 1015, G replaced by A.
Protein change: p.Glu339Lys; replaces glutamic acid 339 with lysine.
Molecular consequence: missense variant. On other transcripts: intron variant (1).
Genome position (GRCh38, 1-based): chrX:13,751,328, G>A. VCF-style: chrX-13751328-G-A. GRCh37 (hg19) VCF-style: chrX-13769447-G-A.
Other names: c.1015G>A (NM_003611.2); c.595G>A, p.Glu199Lys (NM_001330210.2); c.935+1795G>A (NM_001330209.2); short protein forms E199K, E339K.
Identifiers: ClinVar variation 1106239 (VCV001106239.13), dbSNP rs1374240720, ClinGen allele CA412339937.
Genomic context (GRCh38, chrX:13,751,328, plus strand): 5'-GAAAAACATAAAAGCATAACTGAGGCACTTAGGAGACAGGAGCAGAATATAAAGAGTTTT[G>A]AGGAGACCTATGACCGAAAGCTCAAGAATGAACTTCTAAAGTAATTGTTTAGCATTTTTA-3'
Protein context (NP_003602.1, residues 329-349): RRQEQNIKSF[Glu339Lys]ETYDRKLKNE